The following is an entry in ClinVar:

ClinVar aggregate classification (germline): Uncertain significance. Review status: criteria provided, multiple submitters, no conflicts (2 of 4 stars). 2 submissions from 2 submitters: Uncertain significance (2). Last evaluated 2026-09-24.

Conditions:
Charcot-Marie-Tooth disease axonal type 2Z. Also called: CHARCOT-MARIE-TOOTH DISEASE, AXONAL, AUTOSOMAL DOMINANT, TYPE 2Z; CHARCOT-MARIE-TOOTH NEUROPATHY, TYPE 2Z. Identifiers: Orphanet 466768, MedGen C5569025, MONDO:0014736, OMIM 616688.
MORC2-related disorder. Also called: MORC2-related condition.

Allele frequency attached by ClinVar (database versions not stated): gnomAD 0.00001; gnomAD exomes 0.00001; TOPMed 0.00001.
gnomAD v4.1: 9 of 1,612,572 alleles (0.00056%); highest among the groups gnomAD compares: Non-Finnish European, 0.00076%; no homozygotes.

Submissions (2):

PreventionGenetics, part of Exact Sciences
Classification: Uncertain significance for MORC2-related condition. Last evaluated: 2026-09-24. Review status: criteria provided, single submitter. Criteria: ACMG Guidelines, 2015. Collection method: clinical testing. Allele origin: germline.
Comment: The MORC2 c.3030+6C>G variant is predicted to interfere with splicing. However, the use of computer prediction programs is not equivalent to functional evidence. To our knowledge, this variant has not been reported in the literature or in a large population database (gnomAD), indicating this variant is rare. At this time, the clinical significance of this variant is uncertain due to the absence of conclusive functional and genetic evidence.

Labcorp Genetics (formerly Invitae), Labcorp
Classification: Uncertain significance for Charcot-Marie-Tooth disease axonal type 2Z. Last evaluated: 2025-10-24. Review status: criteria provided, single submitter. Criteria: Invitae Variant Classification Sherloc (09022015). Collection method: clinical testing. Allele origin: germline.
Comment: This sequence change falls in intron 25 of the MORC2 gene. It does not directly change the encoded amino acid sequence of the MORC2 protein. It affects a nucleotide within the consensus splice site. This variant is not present in population databases (gnomAD no frequency). This variant has not been reported in the literature in individuals affected with MORC2-related conditions. ClinVar contains an entry for this variant (Variation ID: 652067). Variants that disrupt the consensus splice site are a relatively common cause of aberrant splicing (PMID: 17576681, 9536098). Algorithms developed to predict the effect of sequence changes on RNA splicing suggest that this variant is not likely to affect RNA splicing. In summary, the available evidence is currently insufficient to determine the role of this variant in disease. Therefore, it has been classified as a Variant of Uncertain Significance.

Literature cited by the submitters: PubMed 17576681 (cited by Labcorp Genetics (formerly Invitae), Labcorp); PubMed 9536098 (cited by Labcorp Genetics (formerly Invitae), Labcorp).

NM_001303256.3(MORC2):c.3030+6C>G

Gene: MORC2 (MORC family CW-type zinc finger 2; minus strand). Cytogenetic location: 22q12.2.
Variant type: single nucleotide variant.
Coding change: c.3030+6C>G on transcript NM_001303256.3 (MANE Select); 6 bases into the intron after coding-DNA position 3030, C replaced by G.
Molecular consequence: intron variant.
Genome position (GRCh38, 1-based): chr22:30,928,013, G>C on the plus strand (C>G on the coding strand, the complement: MORC2 is on the minus strand). VCF-style: chr22-30928013-G-C. GRCh37 (hg19) VCF-style: chr22-31324000-G-C.
Other names: c.3021+15C>G (NM_001303257.2); c.2844+6C>G (NM_014941.3).
Identifiers: ClinVar variation 652067 (VCV000652067.12), dbSNP rs1388656367, ClinGen allele CA752378489.